The following is an entry in ClinVar:

NM_018706.7(DHTKD1):c.2572+3A>T

Gene: DHTKD1 (dehydrogenase E1 and transketolase domain containing 1; plus strand). Cytogenetic location: 10p14.
Variant type: single nucleotide variant.
Coding change: c.2572+3A>T on transcript NM_018706.7 (MANE Select); 3 bases into the intron after coding-DNA position 2572, A replaced by T.
Molecular consequence: intron variant.
Genome position (GRCh38, 1-based): chr10:12,118,921, A>T. VCF-style: chr10-12118921-A-T. GRCh37 (hg19) VCF-style: chr10-12160920-A-T.
Identifiers: ClinVar variation 4730127 (VCV004730127.1).

ClinVar aggregate classification (germline): Uncertain significance (1 of 4 stars; one submission).

Conditions:
2-aminoadipic 2-oxoadipic aciduria (AAKAD). Also called: Aminoadipic aciduria; ALPHA-AMINOADIPIC AND ALPHA-KETOADIPIC ACIDURIA. Identifiers: Orphanet 79154, MedGen C1859817, MONDO:0008774, OMIM 204750.

Submission:

Labcorp Genetics (formerly Invitae), Labcorp
Classification: Uncertain significance for 2-aminoadipic 2-oxoadipic aciduria. Last evaluated: 2025-11-09. Review status: criteria provided, single submitter. Criteria: Invitae Variant Classification Sherloc (09022015). Collection method: clinical testing. Allele origin: germline.
Comment: This sequence change falls in intron 15 of the DHTKD1 gene. It does not directly change the encoded amino acid sequence of the DHTKD1 protein. It affects a nucleotide within the consensus splice site. This variant is not present in population databases (gnomAD no frequency). This variant has not been reported in the literature in individuals affected with DHTKD1-related conditions. Variants that disrupt the consensus splice site are a relatively common cause of aberrant splicing (PMID: 17576681, 9536098). Algorithms developed to predict the effect of sequence changes on RNA splicing suggest that this variant is not likely to affect RNA splicing. In summary, the available evidence is currently insufficient to determine the role of this variant in disease. Therefore, it has been classified as a Variant of Uncertain Significance.

Literature cited by the submitters: PubMed 17576681; PubMed 9536098.